The following is an entry in ClinVar:

NM_000744.7(CHRNA4):c.1683G>A (p.Ser561=)

Gene: CHRNA4 (cholinergic receptor nicotinic alpha 4 subunit; minus strand). Cytogenetic location: 20q13.33.
Variant type: single nucleotide variant.
Coding change: c.1683G>A on transcript NM_000744.7 (MANE Select); coding-DNA position 1683, G replaced by A.
Protein change: p.Ser561=; no amino-acid change (serine 561 retained).
Molecular consequence: synonymous variant. On other transcripts: non-coding transcript variant (1).
Genome position (GRCh38, 1-based): chr20:63,349,728, C>T on the plus strand (G>A on the coding strand, the complement: CHRNA4 is on the minus strand). VCF-style: chr20-63349728-C-T. GRCh37 (hg19) VCF-style: chr20-61981080-C-T.
Other names: c.1155G>A, p.Ser385= (NM_001256573.2).
Identifiers: ClinVar variation 515384 (VCV000515384.9), dbSNP rs750265666, ClinGen allele CA9957551.

ClinVar aggregate classification (germline): Likely benign. Review status: criteria provided, multiple submitters, no conflicts (2 of 4 stars). 2 submissions from 2 submitters: Likely benign (2). Last evaluated 2026-01-15.

Conditions:
Familial sleep-related hypermotor epilepsy. Also called: Autosomal Dominant Sleep-Related Hypermotor (Hyperkinetic) Epilepsy. Identifiers: Orphanet 98784, MedGen C3696898, MONDO:0000030.

Allele frequency attached by ClinVar (database versions not stated): gnomAD exomes below 0.00001 and 0.00002; gnomAD 0.00001; ExAC 0.00002; TOPMed 0.00003.
gnomAD v4.1: 10 of 1,612,694 alleles (0.00062%); highest among the groups gnomAD compares: East Asian, 0.0067%; no homozygotes.

Submissions (2):

Labcorp Genetics (formerly Invitae), Labcorp
Classification: Likely benign. Last evaluated: 2026-01-15. Review status: criteria provided, single submitter. Criteria: Invitae Variant Classification Sherloc (09022015). Collection method: clinical testing. Allele origin: germline.

GeneDx
Classification: Likely benign. Last evaluated: 2018-02-15. Review status: criteria provided, single submitter. Criteria: GeneDx Variant Classification (06012015). Collection method: clinical testing. Allele origin: germline. Affected: yes.
Comment: This variant is considered likely benign or benign based on one or more of the following criteria: it is a conservative change, it occurs at a poorly conserved position in the protein, it is predicted to be benign by multiple in silico algorithms, and/or has population frequency not consistent with disease.